The following is an entry in ClinVar:

ClinVar aggregate classification (germline): Uncertain significance (1 of 4 stars; one submission).

Conditions:
Inborn genetic diseases. Identifiers: MedGen C0950123, MeSH D030342.

Submission:

Ambry Genetics
Classification: Uncertain significance for Inborn genetic diseases. Last evaluated: 2025-07-29. Review status: criteria provided, single submitter. Criteria: Ambry Variant Classification Scheme 2023. Collection method: clinical testing. Allele origin: germline.
Comment: The p.W513G variant (also known as c.1537T>G), located in coding exon 1 of the SAMD9 gene, results from a T to G substitution at nucleotide position 1537. The tryptophan at codon 513 is replaced by glycine, an amino acid with highly dissimilar properties. This amino acid position is conserved. In addition, the in silico prediction for this alteration is inconclusive. Based on the available evidence, the clinical significance of this variant remains unclear.

NM_017654.4(SAMD9):c.1537T>G (p.Trp513Gly)

Gene: SAMD9 (sterile alpha motif domain containing 9; minus strand). Cytogenetic location: 7q21.2.
Variant type: single nucleotide variant.
Coding change: c.1537T>G on transcript NM_017654.4 (MANE Select); coding-DNA position 1537, T replaced by G.
Protein change: p.Trp513Gly; replaces tryptophan 513 with glycine.
Molecular consequence: missense variant.
Genome position (GRCh38, 1-based): chr7:93,104,561, A>C on the plus strand (T>G on the coding strand, the complement: SAMD9 is on the minus strand). VCF-style: chr7-93104561-A-C. GRCh37 (hg19) VCF-style: chr7-92733874-A-C.
Other names: c.1537T>G, p.Trp513Gly (NM_001193307.2); short protein forms W513G.
Identifiers: ClinVar variation 4159111 (VCV004159111.1).
Genomic context (GRCh38, chr7:93,104,561, plus strand): 5'-TGTCTTCATGTGTAAGAAATGAAATCAGTTTCCTGACATCAGAAGCTCTTTCTCTTTGCC[A>C]GGAACTTGGATCAAAGGGTTTATATTTTTCACTGTCAAGGTCTAACCTGCCATTGCAGAA-3'
Protein context (NP_060124.2, residues 503-523): EKYKPFDPSS[Trp513Gly]QRERASDVRK